The following is an entry in ClinVar:

ClinVar aggregate classification (germline): Uncertain significance. Review status: criteria provided, multiple submitters, no conflicts (2 of 4 stars). 3 submissions from 3 submitters: Uncertain significance (3). Last evaluated 2022-02-05.

Conditions:
Epidermolysis bullosa simplex with nail dystrophy (EBS5D). Identifiers: MedGen C4225309, MONDO:0014661, OMIM 616487.
Epidermolysis bullosa simplex 5C, with pyloric atresia (EBS5C). Also called: PLEC-Related Epidermolysis Bullosa with Pyloric Atresia; Epidermolysis bullosa simplex with pyloric atresia; PLEC1-Related Epidermolysis Bullosa with Pyloric Atresia. Identifiers: Orphanet 158684, MedGen C2677349, MONDO:0012807, OMIM 612138.
Autosomal recessive limb-girdle muscular dystrophy type 2Q (LGMDR17). Also called: MUSCULAR DYSTROPHY, LIMB-GIRDLE, AUTOSOMAL RECESSIVE 17. Identifiers: Orphanet 254361, MedGen C3150989, MONDO:0013390, OMIM 613723.
Epidermolysis bullosa simplex 5B, with muscular dystrophy (EBS5B). Also called: EPIDERMOLYSIS BULLOSA SIMPLEX AND LIMB-GIRDLE MUSCULAR DYSTROPHY; Epidermolysis bullosa simplex with muscular dystrophy. Identifiers: Orphanet 257, MedGen C2931072, MONDO:0009181, OMIM 226670.
Epidermolysis bullosa simplex, Ogna type (EBS5A). Also called: Pidermolysis bullosa simplex 5A, Ogna type; EPIDERMOLYSIS BULLOSA SIMPLEX 5A, OGNA TYPE. Identifiers: Orphanet 79401, MedGen C0432317, MONDO:0007555, OMIM 131950.

Allele frequency attached by ClinVar (database versions not stated): gnomAD exomes 0.00002; ExAC 0.00005; TOPMed 0.00006; gnomAD 0.00008 and 0.00009.

Submissions (3):

Labcorp Genetics (formerly Invitae), Labcorp
Classification: Uncertain significance for Autosomal recessive limb-girdle muscular dystrophy type 2Q; Epidermolysis bullosa simplex, Ogna type; Epidermolysis bullosa simplex with nail dystrophy; Epidermolysis bullosa simplex 5C, with pyloric atresia; Epidermolysis bullosa simplex 5B, with muscular dystrophy. Last evaluated: 2022-02-05. Review status: criteria provided, single submitter. Criteria: Invitae Variant Classification Sherloc (09022015). Collection method: clinical testing. Allele origin: germline.
Comment: This sequence change replaces glutamine, which is neutral and polar, with lysine, which is basic and polar, at codon 1606 of the PLEC protein (p.Gln1606Lys). In summary, the available evidence is currently insufficient to determine the role of this variant in disease. Therefore, it has been classified as a Variant of Uncertain Significance. Algorithms developed to predict the effect of missense changes on protein structure and function are either unavailable or do not agree on the potential impact of this missense change (SIFT: "Deleterious"; PolyPhen-2: "Not Available"; Align-GVGD: "Class C15"). ClinVar contains an entry for this variant (Variation ID: 283226). This variant has not been reported in the literature in individuals affected with PLEC-related conditions. The frequency data for this variant in the population databases is considered unreliable, as metrics indicate poor data quality at this position in the gnomAD database.

Revvity Omics, Revvity
Classification: Uncertain significance. Last evaluated: 2020-07-21. Review status: criteria provided, single submitter. Criteria: ACMG Guidelines, 2015. Collection method: clinical testing. Allele origin: germline.

Eurofins Ntd Llc (ga)
Classification: Uncertain significance. Last evaluated: 2015-09-04. Review status: criteria provided, single submitter. Criteria: EGL Classification Definitions 2015. Collection method: clinical testing. Allele origin: germline. Observed: 1 variant allele, 1 heterozygote.

NM_201384.3(PLEC):c.4735C>A (p.Gln1579Lys)

Gene: PLEC (plectin; minus strand). Cytogenetic location: 8q24.3.
Variant type: single nucleotide variant.
Coding change: c.4735C>A on transcript NM_201384.3 (MANE Select); coding-DNA position 4735, C replaced by A.
Protein change: p.Gln1579Lys; replaces glutamine 1579 with lysine.
Molecular consequence: missense variant.
Genome position (GRCh38, 1-based): chr8:143,925,194, G>T on the plus strand (C>A on the coding strand, the complement: PLEC is on the minus strand). VCF-style: chr8-143925194-G-T. GRCh37 (hg19) VCF-style: chr8-144999362-G-T.
Other names: c.4816C>A (NM_000445.3); c.4816C>A, p.Gln1606Lys (NM_000445.5); c.4693C>A, p.Gln1565Lys (NM_201378.4); c.4669C>A, p.Gln1557Lys (NM_201379.3); c.5146C>A, p.Gln1716Lys (NM_201380.4); c.4639C>A, p.Gln1547Lys (NM_201381.3); c.4735C>A, p.Gln1579Lys (NM_201382.4); c.4747C>A, p.Gln1583Lys (NM_201383.3); short protein forms Q1565K, Q1547K, Q1579K, Q1606K, Q1716K, Q1583K, Q1557K.
Identifiers: ClinVar variation 283226 (VCV000283226.11), dbSNP rs782612282, ClinGen allele CA4926554.